The following is an entry in ClinVar:

NM_001903.5(CTNNA1):c.1771G>A (p.Val591Ile)

Gene: CTNNA1 (catenin alpha 1; plus strand). Cytogenetic location: 5q31.2.
Variant type: single nucleotide variant.
Coding change: c.1771G>A on transcript NM_001903.5 (MANE Select); coding-DNA position 1771, G replaced by A.
Protein change: p.Val591Ile; replaces valine 591 with isoleucine.
Molecular consequence: missense variant.
Genome position (GRCh38, 1-based): chr5:138,925,279, G>A. VCF-style: chr5-138925279-G-A. GRCh37 (hg19) VCF-style: chr5-138260968-G-A.
Other names: c.1771G>A, p.Val591Ile (NM_001290307.3, NM_001323982.2, NM_001323983.1 and 2 more transcripts); c.1462G>A, p.Val488Ile (NM_001290309.3); c.1402G>A, p.Val468Ile (NM_001290310.3); c.661G>A, p.Val221Ile (NM_001290312.1, NM_001323987.1, NM_001323988.1 and 17 more transcripts); c.1678G>A, p.Val560Ile (NM_001323986.2); c.322G>A, p.Val108Ile (NM_001324006.1, NM_001324007.1, NM_001324008.1 and 2 more transcripts); c.568G>A, p.Val190Ile (NM_001324011.1); c.418G>A, p.Val140Ile (NM_001324012.1, NM_001324013.1); and 1 more; short protein forms V221I, V108I, V140I, V468I, V190I, V488I, V591I, V560I.
Identifiers: ClinVar variation 649766 (VCV000649766.12), dbSNP rs540697892, ClinGen allele CA3432032.

ClinVar aggregate classification (germline): Conflicting classifications of pathogenicity. Review status: criteria provided, conflicting classifications (1 of 4 stars). 2 submissions from 2 submitters: Uncertain significance (1); Likely benign (1). Last evaluated 2025-07-31.

Conditions:
Hereditary cancer-predisposing syndrome. Also called: Neoplastic Syndromes, Hereditary; Tumor predisposition; Hereditary Cancer Syndrome; Hereditary neoplastic syndrome. Identifiers: Orphanet 140162, MedGen C0027672, MeSH D009386, MONDO:0015356.

Allele frequency attached by ClinVar (database versions not stated): gnomAD exomes below 0.00001 and 0.00001; ExAC 0.00001; gnomAD 0.00001; TOPMed 0.00001; 1000 Genomes Project 30x 0.00016; 1000 Genomes Project 0.00020.
gnomAD v4.1: 6 of 1,614,078 alleles (0.00037%); highest among the groups gnomAD compares: South Asian, 0.0066%; no homozygotes.

Submissions (2):

Labcorp Genetics (formerly Invitae), Labcorp
Classification: Uncertain significance. Last evaluated: 2025-07-31. Review status: criteria provided, single submitter. Criteria: Invitae Variant Classification Sherloc (09022015). Collection method: clinical testing. Allele origin: germline.
Comment: This sequence change replaces valine, which is neutral and non-polar, with isoleucine, which is neutral and non-polar, at codon 591 of the CTNNA1 protein (p.Val591Ile). This variant is present in population databases (rs540697892, gnomAD 0.01%). This variant has not been reported in the literature in individuals affected with CTNNA1-related conditions. ClinVar contains an entry for this variant (Variation ID: 649766). Invitae Evidence Modeling of protein sequence and biophysical properties (such as structural, functional, and spatial information, amino acid conservation, physicochemical variation, residue mobility, and thermodynamic stability) indicates that this missense variant is not expected to disrupt CTNNA1 protein function with a negative predictive value of 80%. In summary, the available evidence is currently insufficient to determine the role of this variant in disease. Therefore, it has been classified as a Variant of Uncertain Significance.

Ambry Genetics
Classification: Likely benign for Hereditary cancer-predisposing syndrome. Last evaluated: 2023-01-06. Review status: criteria provided, single submitter. Criteria: Ambry Variant Classification Scheme 2023. Collection method: clinical testing. Allele origin: germline.